The following is an entry in ClinVar:

ClinVar aggregate classification (germline): Pathogenic (1 of 4 stars; one submission).

Conditions:
Hereditary sensory and autonomic neuropathy type 6. Also called: HSAN VI; Neuropathy, hereditary sensory and autonomic, type VI. Identifiers: Orphanet 314381, MedGen C3539003, MONDO:0013839, OMIM 614653.
Epidermolysis bullosa simplex 3, localized or generalized intermediate, with BP230 deficiency (EBS3). Also called: Epidermolysis bullosa simplex due to BP230 deficiency; Epidermolysis bullosa simplex, autosomal recessive 2. Identifiers: Orphanet 412181, MedGen C3809470, MONDO:0014180, OMIM 615425.

Allele frequency attached by ClinVar (database versions not stated): gnomAD exomes below 0.00001; TOPMed below 0.00001; gnomAD 0.00001.
gnomAD v4.1: 2 of 1,613,568 alleles (0.00012%); highest among the groups gnomAD compares: Non-Finnish European, 0.00017%; no homozygotes.

Submission:

Labcorp Genetics (formerly Invitae), Labcorp
Classification: Pathogenic for Epidermolysis bullosa simplex 3, localized or generalized intermediate, with BP230 deficiency; Hereditary sensory and autonomic neuropathy type 6. Last evaluated: 2022-09-14. Review status: criteria provided, single submitter. Criteria: Invitae Variant Classification Sherloc (09022015). Collection method: clinical testing. Allele origin: germline.
Comment: The DST gene has multiple clinically relevant transcripts. This variant occurs in alternate transcript NM_015548.4, and corresponds to NM_001723.5:c.*41751G>A in the primary transcript. This sequence change creates a premature translational stop signal (p.Trp1760*) in the DST gene. It is expected to result in an absent or disrupted protein product. Loss-of-function variants in DST are known to be pathogenic (PMID: 22522446, 25059916, 30371979). This variant is not present in population databases (gnomAD no frequency). This variant has not been reported in the literature in individuals affected with DST-related conditions. For these reasons, this variant has been classified as Pathogenic.

Literature cited by the submitters: PubMed 22522446; PubMed 25059916; PubMed 30371979.

NM_001374736.1(DST):c.13149G>A (p.Trp4383Ter)

Gene: DST (dystonin; minus strand). Cytogenetic location: 6p12.1.
Variant type: single nucleotide variant.
Coding change: c.13149G>A on transcript NM_001374736.1 (MANE Select); coding-DNA position 13149, G replaced by A.
Protein change: p.Trp4383Ter; replaces tryptophan 4383 with a stop codon.
Molecular consequence: nonsense.
Genome position (GRCh38, 1-based): chr6:56,573,766, C>T on the plus strand (G>A on the coding strand, the complement: DST is on the minus strand). VCF-style: chr6-56573766-C-T. GRCh37 (hg19) VCF-style: chr6-56438564-C-T.
Other names: c.6792G>A, p.Trp2264Ter (NM_001144769.5); c.6378G>A, p.Trp2126Ter (NM_001144770.2); c.13149G>A, p.Trp4383Ter (NM_001374722.1); c.12516G>A, p.Trp4172Ter (NM_001374729.1); c.6258G>A, p.Trp2086Ter (NM_001374730.1, NM_001386100.1, NM_183380.4); c.13176G>A, p.Trp4392Ter (NM_001374734.1); c.5280G>A, p.Trp1760Ter (NM_015548.5); short protein forms W2126*, W4383*, W4392*, W1760*, W2086*, W2264*, W4172*.
Identifiers: ClinVar variation 2159409 (VCV002159409.4), dbSNP rs1284559589, ClinGen allele CA364527981.
Genomic context (GRCh38, chr6:56,573,766, plus strand): 5'-AGCAGTAGAGTTTAAAGGCACTTGACCTTGTTCTTTCAGAGAACTTTCCACATTTCCCAT[C>T]CAGTCCAGCATTTCATCCAAGCCATCCTGCACACTCAGTGAACGGGTCAAGGTTATCTGG-3'